The following is an entry in ClinVar:

NM_004984.4(KIF5A):c.572G>A (p.Arg191His)

Gene: KIF5A (kinesin family member 5A; plus strand). Cytogenetic location: 12q13.3.
Variant type: single nucleotide variant.
Coding change: c.572G>A on transcript NM_004984.4 (MANE Select); coding-DNA position 572, G replaced by A.
Protein change: p.Arg191His; replaces arginine 191 with histidine.
Molecular consequence: missense variant.
Genome position (GRCh38, 1-based): chr12:57,567,196, G>A. VCF-style: chr12-57567196-G-A. GRCh37 (hg19) VCF-style: chr12-57960979-G-A.
Other names: c.305G>A, p.Arg102His (NM_001354705.2); short protein forms R191H, R102H.
Identifiers: ClinVar variation 424697 (VCV000424697.5), dbSNP rs1488871976, ClinGen allele CA385497941.

ClinVar aggregate classification (germline): Conflicting classifications of pathogenicity. Review status: criteria provided, conflicting classifications (1 of 4 stars). 3 submissions from 3 submitters: Pathogenic (1); Uncertain significance (2). Last evaluated 2024-04-07.

Conditions:
Spastic paraplegia. Identifiers: MedGen C0037772, HP:0001258.
Hereditary spastic paraplegia 10 (SPG10). Also called: SPASTIC PARAPLEGIA 10, AUTOSOMAL DOMINANT; SPASTIC PARAPLEGIA 10 WITH PERIPHERAL NEUROPATHY; SPASTIC PARAPLEGIA 10 WITH OR WITHOUT PERIPHERAL NEUROPATHY. Identifiers: Orphanet 100991, MedGen C1858712, MONDO:0011408, OMIM 604187.
Hereditary spastic paraplegia. Also called: Familial spastic paraparesis. Identifiers: Orphanet 685, MedGen C0037773, MONDO:0019064. Disease mechanism: loss of function.

Allele frequency attached by ClinVar (database versions not stated): gnomAD exomes below 0.00001.
gnomAD v4.1: 3 of 1,612,562 alleles (0.00019%); highest among the groups gnomAD compares: Non-Finnish European, 0.00017%; no homozygotes.

Submissions (3):

Labcorp Genetics (formerly Invitae), Labcorp
Classification: Uncertain significance for Spastic paraplegia. Last evaluated: 2024-04-07. Review status: criteria provided, single submitter. Criteria: Invitae Variant Classification Sherloc (09022015). Collection method: clinical testing. Allele origin: germline.
Comment: This sequence change replaces arginine, which is basic and polar, with histidine, which is basic and polar, at codon 191 of the KIF5A protein (p.Arg191His). This variant is present in population databases (no rsID available, gnomAD 0.007%). This variant has not been reported in the literature in individuals affected with KIF5A-related conditions. ClinVar contains an entry for this variant (Variation ID: 424697). Advanced modeling of protein sequence and biophysical properties (such as structural, functional, and spatial information, amino acid conservation, physicochemical variation, residue mobility, and thermodynamic stability) performed at Invitae indicates that this missense variant is expected to disrupt KIF5A protein function with a positive predictive value of 95%. In summary, the available evidence is currently insufficient to determine the role of this variant in disease. Therefore, it has been classified as a Variant of Uncertain Significance.

Unit for Genetic & Epidemiological Research on Neurological Disorders, Instituto de Investigação e Inovação em Saúde
Classification: Uncertain significance for Hereditary spastic paraplegia. Last evaluated: 2017-03-07. Review status: criteria provided, single submitter. Criteria: Morais et al. (Eur J Hum Genet. 2017). Collection method: research. Allele origin: inherited. Affected: yes.

Paris Brain Institute, Inserm - ICM
Classification: Pathogenic for Hereditary spastic paraplegia 10. Review status: criteria provided, single submitter. Criteria: ACMG Guidelines, 2015. Collection method: clinical testing. Allele origin: unknown. Affected: yes. Observed: 1 variant allele.